The following is an entry in ClinVar:

ClinVar aggregate classification (germline): Uncertain significance. Review status: criteria provided, multiple submitters, no conflicts (2 of 4 stars). 2 submissions from 2 submitters: Uncertain significance (2). Last evaluated 2025-03-29.

Allele frequency attached by ClinVar (database versions not stated): ESP Exome Variant Server 0.00008; 1000 Genomes Project 30x 0.00016; gnomAD 0.00004; TOPMed 0.00004; ExAC 0.00003; gnomAD exomes 0.00003.
gnomAD v4.1: 105 of 1,614,164 alleles (0.0065%); highest among the groups gnomAD compares: Non-Finnish European, 0.0081%; no homozygotes.

Submissions (2):

GeneDx
Classification: Uncertain significance. Last evaluated: 2025-03-29. Review status: criteria provided, single submitter. Criteria: GeneDx Variant Classification Process June 2021. Collection method: clinical testing. Allele origin: germline. Affected: yes.
Comment: Identified in a patient with intellectual disability, however the variant was inherited from an unaffected father and the patient had multiple other rare variants that could possibly be contributing to their presentation (PMID: 25356899); In silico analysis supports that this missense variant has a deleterious effect on protein structure/function; This variant is associated with the following publications: (PMID: 25356899)

Labcorp Genetics (formerly Invitae), Labcorp
Classification: Uncertain significance. Last evaluated: 2023-12-11. Review status: criteria provided, single submitter. Criteria: Invitae Variant Classification Sherloc (09022015). Collection method: clinical testing. Allele origin: germline.
Comment: This sequence change replaces tyrosine, which is neutral and polar, with cysteine, which is neutral and slightly polar, at codon 1659 of the SPEG protein (p.Tyr1659Cys). This variant is present in population databases (rs188341907, gnomAD 0.007%). This variant has not been reported in the literature in individuals affected with SPEG-related conditions. ClinVar contains an entry for this variant (Variation ID: 1423045). An algorithm developed to predict the effect of missense changes on protein structure and function (PolyPhen-2) suggests that this variant is likely to be disruptive. In summary, the available evidence is currently insufficient to determine the role of this variant in disease. Therefore, it has been classified as a Variant of Uncertain Significance.

NM_005876.5(SPEG):c.4976A>G (p.Tyr1659Cys)

Gene: SPEG (striated muscle enriched protein kinase; plus strand). Cytogenetic location: 2q35.
Variant type: single nucleotide variant.
Coding change: c.4976A>G on transcript NM_005876.5 (MANE Select); coding-DNA position 4976, A replaced by G.
Protein change: p.Tyr1659Cys; replaces tyrosine 1659 with cysteine.
Molecular consequence: missense variant.
Genome position (GRCh38, 1-based): chr2:219,478,054, A>G. VCF-style: chr2-219478054-A-G. GRCh37 (hg19) VCF-style: chr2-220342776-A-G.
Other names: c.4976A>G (NM_005876.4); short protein forms Y1659C.
Identifiers: ClinVar variation 1423045 (VCV001423045.5), dbSNP rs188341907, ClinGen allele CA2126687.
Genomic context (GRCh38, chr2:219,478,054, plus strand): 5'-AGGCATCAGCGCGTCGGGAGGCCCGGCTGCTGGCCAGGCTCCAGCACGACTGTGTCCTCT[A>G]CTTCCATGAGGCCTTCGAGAGGCGCCGGGGACTGGTCATTGTCACCGAGCTGTATCCTGG-3'
Protein context (NP_005867.3, residues 1649-1669): LARLQHDCVL[Tyr1659Cys]FHEAFERRRG